The following is an entry in ClinVar:

NM_001081.4(CUBN):c.10575C>T (p.Pro3525=)

Gene: CUBN (cubilin; minus strand). Cytogenetic location: 10p13.
Variant type: single nucleotide variant.
Coding change: c.10575C>T on transcript NM_001081.4 (MANE Select); coding-DNA position 10575, C replaced by T.
Protein change: p.Pro3525=; no amino-acid change (proline 3525 retained).
Molecular consequence: synonymous variant.
Genome position (GRCh38, 1-based): chr10:16,828,994, G>A on the plus strand (C>T on the coding strand, the complement: CUBN is on the minus strand). VCF-style: chr10-16828994-G-A. GRCh37 (hg19) VCF-style: chr10-16870993-G-A.
Identifiers: ClinVar variation 695982 (VCV000695982.19), dbSNP rs145569358, ClinGen allele CA5422347.

ClinVar aggregate classification (germline): Conflicting classifications of pathogenicity. Review status: criteria provided, conflicting classifications (1 of 4 stars). 5 submissions from 5 submitters: Uncertain significance (1); Benign (1); Likely benign (3). Last evaluated 2026-08-01.

Conditions:
Imerslund-Grasbeck syndrome type 1 (IGS1). Also called: Megaloblastic anemia 1, Finnish type; MEGALOBLASTIC ANEMIA, 1; Imerslund-Gräsbeck syndrome 1. Identifiers: MedGen C4016819, MONDO:0100156, OMIM 261100.
Imerslund-Grasbeck syndrome. Also called: ENTEROCYTE COBALAMIN MALABSORPTION; ENTEROCYTE INTRINSIC FACTOR RECEPTOR, DEFECT OF; PERNICIOUS ANEMIA, JUVENILE, DUE TO SELECTIVE INTESTINAL MALABSORPTION OF VITAMIN B12, WITH PROTEINURIA; Megaloblastic anemia due to inborn errors of metabolism; Imerslund-Gräsbeck syndrome. Identifiers: Orphanet 35858, MedGen C4551825, MONDO:0009853.

Allele frequency attached by ClinVar (database versions not stated): TOPMed 0.00059; gnomAD 0.00086; ESP Exome Variant Server 0.00092; gnomAD exomes 0.00101 and 0.00127; ExAC 0.00154.
gnomAD v4.1: 1,595 of 1,614,026 alleles (0.099%); highest among the groups gnomAD compares: Non-Finnish European, 0.1%; 2 homozygotes.

Submissions (5):

CeGaT Center for Human Genetics Tuebingen
Classification: Likely benign. Last evaluated: 2026-08-01. Review status: criteria provided, single submitter. Criteria: CeGaT Center For Human Genetics Tuebingen Variant Classification Criteria Version 2. Collection method: clinical testing. Allele origin: germline. Affected: yes. Observed: 2 variant alleles.
Comment: CUBN: BP4, BP7

Women's Health and Genetics/Laboratory Corporation of America, LabCorp
Classification: Likely benign. Last evaluated: 2026-01-20. Review status: criteria provided, single submitter. Criteria: LabCorp Variant Classification Summary - May 2015. Collection method: clinical testing. Allele origin: germline.

Labcorp Genetics (formerly Invitae), Labcorp
Classification: Benign for Imerslund-Grasbeck syndrome. Last evaluated: 2025-06-22. Review status: criteria provided, single submitter. Criteria: Invitae Variant Classification Sherloc (09022015). Collection method: clinical testing. Allele origin: germline.

Blueprint Genetics
Classification: Likely benign. Last evaluated: 2024-10-23. Review status: criteria provided, single submitter. Criteria: ACMG Guidelines, 2015. Collection method: clinical testing. Allele origin: germline.

Illumina Laboratory Services, Illumina
Classification: Uncertain significance for Imerslund-Grasbeck syndrome type 1. Last evaluated: 2018-01-13. Review status: criteria provided, single submitter. Criteria: ICSL Variant Classification Criteria 13 December 2019. Collection method: clinical testing. Allele origin: germline.